The following is an entry in ClinVar:

NM_002439.5(MSH3):c.579+3A>T

Gene: MSH3 (mutS homolog 3; plus strand). Cytogenetic location: 5q14.1.
Variant type: single nucleotide variant.
Coding change: c.579+3A>T on transcript NM_002439.5 (MANE Select); 3 bases into the intron after coding-DNA position 579, A replaced by T.
Molecular consequence: intron variant.
Genome position (GRCh38, 1-based): chr5:80,665,366, A>T. VCF-style: chr5-80665366-A-T. GRCh37 (hg19) VCF-style: chr5-79961185-A-T.
Identifiers: ClinVar variation 3296256 (VCV003296256.3).

ClinVar aggregate classification (germline): Conflicting classifications of pathogenicity. Review status: criteria provided, conflicting classifications (1 of 4 stars). 2 submissions from 2 submitters: Uncertain significance (1); Likely benign (1). Last evaluated 2025-03-17.

Conditions:
Hereditary cancer-predisposing syndrome. Also called: Tumor predisposition; Hereditary Cancer Syndrome; Hereditary neoplastic syndrome; Neoplastic Syndromes, Hereditary. Identifiers: Orphanet 140162, MedGen C0027672, MeSH D009386, MONDO:0015356.

Submissions (2):

Labcorp Genetics (formerly Invitae), Labcorp
Classification: Likely benign. Last evaluated: 2025-03-17. Review status: criteria provided, single submitter. Criteria: Invitae Variant Classification Sherloc (09022015). Collection method: clinical testing. Allele origin: germline.

Ambry Genetics
Classification: Uncertain significance for Hereditary cancer-predisposing syndrome. Last evaluated: 2024-03-28. Review status: criteria provided, single submitter. Criteria: Ambry Variant Classification Scheme 2023. Collection method: clinical testing. Allele origin: germline.
Comment: The c.579+3A>T intronic variant results from an A to T substitution 3 nucleotides after coding exon 3 in the MSH3 gene. This nucleotide position is highly conserved in available vertebrate species. In silico splice site analysis predicts that this alteration will not have any significant effect on splicing. Based on the available evidence, the clinical significance of this alteration remains unclear.